The following is an entry in ClinVar:

NM_032043.3(BRIP1):c.2617A>T (p.Thr873Ser)

Gene: BRIP1 (BRCA1 interacting DNA helicase 1; minus strand). Cytogenetic location: 17q23.2.
Variant type: single nucleotide variant.
Coding change: c.2617A>T on transcript NM_032043.3 (MANE Select); coding-DNA position 2617, A replaced by T.
Protein change: p.Thr873Ser; replaces threonine 873 with serine.
Molecular consequence: missense variant.
Genome position (GRCh38, 1-based): chr17:61,686,124, T>A on the plus strand (A>T on the coding strand, the complement: BRIP1 is on the minus strand). VCF-style: chr17-61686124-T-A. GRCh37 (hg19) VCF-style: chr17-59763485-T-A.
Other names: short protein forms T873S.
Identifiers: ClinVar variation 234720 (VCV000234720.8), dbSNP rs758444508, ClinGen allele CA10577558.

ClinVar aggregate classification (germline): Uncertain significance. Review status: criteria provided, multiple submitters, no conflicts (2 of 4 stars). 2 submissions from 2 submitters: Uncertain significance (2). Last evaluated 2021-11-22.

Conditions:
Fanconi anemia complementation group J. Also called: BRIP1-Related Fanconi Anemia. Identifiers: Orphanet 84, MedGen C1836860, MONDO:0012187, OMIM 609054.
Familial cancer of breast. Also called: hereditary breast carcinoma; BREAST CANCER, FAMILIAL; Hereditary breast cancer. Identifiers: Orphanet 227535, MedGen C0346153, MONDO:0016419, OMIM 114480. Disease mechanism: loss of function.

Submissions (2):

Labcorp Genetics (formerly Invitae), Labcorp
Classification: Uncertain significance for Familial cancer of breast; Fanconi anemia complementation group J. Last evaluated: 2021-11-22. Review status: criteria provided, single submitter. Criteria: Invitae Variant Classification Sherloc (09022015). Collection method: clinical testing. Allele origin: germline.
Comment: In summary, the available evidence is currently insufficient to determine the role of this variant in disease. Therefore, it has been classified as a Variant of Uncertain Significance. Algorithms developed to predict the effect of missense changes on protein structure and function output the following: SIFT: "Tolerated"; PolyPhen-2: "Benign"; Align-GVGD: "Class C0". The serine amino acid residue is found in multiple mammalian species, which suggests that this missense change does not adversely affect protein function. ClinVar contains an entry for this variant (Variation ID: 234720). This variant has not been reported in the literature in individuals affected with BRIP1-related conditions. This variant is not present in population databases (gnomAD no frequency). This sequence change replaces threonine, which is neutral and polar, with serine, which is neutral and polar, at codon 873 of the BRIP1 protein (p.Thr873Ser).

GeneDx
Classification: Uncertain significance. Last evaluated: 2015-12-28. Review status: criteria provided, single submitter. Criteria: GeneDx Variant Classification (06012015). Collection method: clinical testing. Allele origin: germline. Affected: yes.
Comment: This variant is denoted BRIP1 c.2617A>T at the cDNA level, p.Thr873Ser (T873S) at the protein level, and results in the change of a Threonine to a Serine (ACC>TCC). This variant has not, to our knowledge, been published in the literature as pathogenic or benign. BRIP1 Thr873Ser was not observed in approximately 6,500 individuals of European and African American ancestry in the NHLBI Exome Sequencing Project, suggesting it is not a common benign variant in these populations. Since Threonine and Serine share similar properties, this is considered a conservative amino acid substitution. BRIP1 Thr873Ser occurs at a position that is not conserved and is located in the Helicase domain (Cantor 2011). In silico analyses predict that this variant is unlikely to alter protein structure or function. Based on currently available evidence, it is unclear whether BRIP1 Thr873Ser is pathogenic or benign. We consider it to be a variant of uncertain significance.